The following is an entry in ClinVar:

NM_001041.4(SI):c.3827A>G (p.Gln1276Arg)

Gene: SI (sucrase-isomaltase; minus strand). Cytogenetic location: 3q26.1.
Variant type: single nucleotide variant.
Coding change: c.3827A>G on transcript NM_001041.4 (MANE Select); coding-DNA position 3827, A replaced by G.
Protein change: p.Gln1276Arg; replaces glutamine 1276 with arginine.
Molecular consequence: missense variant.
Genome position (GRCh38, 1-based): chr3:165,016,013, T>C on the plus strand (A>G on the coding strand, the complement: SI is on the minus strand). VCF-style: chr3-165016013-T-C. GRCh37 (hg19) VCF-style: chr3-164733801-T-C.
Other names: short protein forms Q1276R.
Identifiers: ClinVar variation 1507181 (VCV001507181.8), dbSNP rs775422246, ClinGen allele CA2690126.

ClinVar aggregate classification (germline): Uncertain significance. Review status: criteria provided, multiple submitters, no conflicts (2 of 4 stars). 3 submissions from 3 submitters: Uncertain significance (3). Last evaluated 2024-05-20.

Conditions:
Sucrase-isomaltase deficiency (CSID). Also called: SI DEFICIENCY; Deficiency of isomaltase; Congenital sucrose isomaltose malabsorption; Sucrose isomaltose enzyme deficiency. Identifiers: Orphanet 35122, MedGen C1283620, MONDO:0009114, OMIM 222900.

Allele frequency attached by ClinVar (database versions not stated): gnomAD exomes 0.00001 and 0.00004; ExAC 0.00002; TOPMed 0.00002; gnomAD 0.00005.
gnomAD v4.1: 16 of 1,611,972 alleles (0.00099%); highest among the groups gnomAD compares: African/African-American, 0.012%; no homozygotes.

Submissions (3):

Fulgent Genetics
Classification: Uncertain significance for Sucrase-isomaltase deficiency. Last evaluated: 2024-05-20. Review status: criteria provided, single submitter. Criteria: ACMG Guidelines, 2015. Collection method: clinical testing. Allele origin: germline.

Labcorp Genetics (formerly Invitae), Labcorp
Classification: Uncertain significance. Last evaluated: 2022-01-11. Review status: criteria provided, single submitter. Criteria: Invitae Variant Classification Sherloc (09022015). Collection method: clinical testing. Allele origin: germline.
Comment: In summary, the available evidence is currently insufficient to determine the role of this variant in disease. Therefore, it has been classified as a Variant of Uncertain Significance. Advanced modeling of protein sequence and biophysical properties (such as structural, functional, and spatial information, amino acid conservation, physicochemical variation, residue mobility, and thermodynamic stability) performed at Invitae indicates that this missense variant is not expected to disrupt SI protein function. This variant has not been reported in the literature in individuals affected with SI-related conditions. This variant is present in population databases (rs775422246, gnomAD 0.02%). This sequence change replaces glutamine, which is neutral and polar, with arginine, which is basic and polar, at codon 1276 of the SI protein (p.Gln1276Arg).

Breakthrough Genomics
Classification: Uncertain significance. Review status: criteria provided, single submitter. Criteria: ACMG Guidelines, 2015. Collection method: not provided. Allele origin: germline. Inheritance: Autosomal recessive inheritance. Affected: yes.